The following is an entry in ClinVar:

NM_000486.6(AQP2):c.568G>A (p.Ala190Thr)

Genes: AQP2 (aquaporin 2; plus strand), AQP5-AS1 (AQP5 and AQP2 antisense RNA 2; minus strand). Cytogenetic location: 12q13.12.
Variant type: single nucleotide variant.
Coding change: c.568G>A on transcript NM_000486.6 (MANE Select); coding-DNA position 568, G replaced by A.
Protein change: p.Ala190Thr; replaces alanine 190 with threonine.
Molecular consequence: missense variant.
Genome position (GRCh38, 1-based): chr12:49,954,672, G>A. VCF-style: chr12-49954672-G-A. GRCh37 (hg19) VCF-style: chr12-50348455-G-A.
Other names: short protein forms A190T.
Identifiers: ClinVar variation 17845 (VCV000017845.5), dbSNP rs104894341, ClinGen allele CA127492.

ClinVar aggregate classification (germline): Likely pathogenic. Review status: criteria provided, single submitter (1 of 4 stars). 2 submissions from 2 submitters: Likely pathogenic (1). 1 of the submissions does not count toward it. Last evaluated 2024-09-13.

Conditions:
Nephrogenic diabetes insipidus. Identifiers: Orphanet 223, MedGen C0162283, MONDO:0016383, HP:0009806.
Diabetes insipidus, nephrogenic, autosomal (NDI2). Also called: Nephrogenic Diabetes Insipidus, Type II; Diabetes insipidus, nephrogenic, 2, autosomal. Identifiers: Orphanet 223, MedGen C1563706, MONDO:0007451, OMIM 125800.

Submissions (2):

Women's Health and Genetics/Laboratory Corporation of America, LabCorp
Classification: Likely pathogenic for Nephrogenic diabetes insipidus. Last evaluated: 2024-09-13. Review status: criteria provided, single submitter. Criteria: LabCorp Variant Classification Summary - May 2015. Collection method: clinical testing. Allele origin: germline.
Comment: Variant summary: AQP2 c.568G>A (p.Ala190Thr) results in a non-conservative amino acid change in the encoded protein sequence. Four of five in-silico tools predict a damaging effect of the variant on protein function. The variant was absent in 251490 control chromosomes. c.568G>A has been reported in the literature in trans with a pathogenic variant in at least 2 individuals affected with autosomal recessive Nephrogenic Diabetes Insipidus (example, deMattia_2004, Kuwuhara_1998). These data indicate that the variant may be associated with disease. At least one publication reports experimental evidence evaluating an impact on protein function. The most pronounced variant effect results in <10% of normal activity in vitro (example, deMattia_2004, Kuwuhara_1998). The following publications have been ascertained in the context of this evaluation (PMID: 10435672, 15509592). ClinVar contains an entry for this variant (Variation ID: 17845). Based on the evidence outlined above, the variant was classified as likely pathogenic.

OMIM
Classification: Pathogenic for DIABETES INSIPIDUS, NEPHROGENIC, 2, AUTOSOMAL RECESSIVE. Last evaluated: 2021-06-24. Review status: no assertion criteria provided. Collection method: literature only. Allele origin: germline. Not counted in ClinVar's aggregate classification.

Literature cited by the submitters: PubMed 10435672 (cited by Women's Health and Genetics/Laboratory Corporation of America, LabCorp); PubMed 9550615 (cited by Women's Health and Genetics/Laboratory Corporation of America, LabCorp); PubMed 15509592 (cited by Women's Health and Genetics/Laboratory Corporation of America, LabCorp); PubMed 7512890 (cited by OMIM).